The following is an entry in ClinVar:

ClinVar aggregate classification (germline): Uncertain significance. Review status: criteria provided, single submitter (1 of 4 stars). 2 submissions from 2 submitters: Uncertain significance (1). 1 of the submissions does not count toward it. Last evaluated 2024-02-14.

Conditions:
CREBBP-related disorder. Also called: CREBBP-related condition; CREBBP-related disorders.
Menke-Hennekam syndrome 1 (MKHK1). Identifiers: MedGen C5193034, MONDO:0020763, OMIM 618332.
Rubinstein-Taybi syndrome due to CREBBP mutations (RSTS1). Also called: BROAD THUMBS AND GREAT TOES, CHARACTERISTIC FACIES, AND IMPAIRED INTELLECTUAL DEVELOPMENT; RUBINSTEIN-TAYBI SYNDROME 1, INCOMPLETE; BROAD THUMB-HALLUX SYNDROME; RUBINSTEIN SYNDROME; Rubinstein-Taybi syndrome 1; CREBBP-Related Rubinstein-Taybi Syndrome. Identifiers: Orphanet 353277, Orphanet 783, MedGen C4551859, MONDO:0008393, OMIM 180849.

Submissions (2):

Fulgent Genetics
Classification: Uncertain significance for Rubinstein-Taybi syndrome due to CREBBP mutations; Menke-Hennekam syndrome 1. Last evaluated: 2024-02-14. Review status: criteria provided, single submitter. Criteria: ACMG Guidelines, 2015. Collection method: clinical testing. Allele origin: germline.

PreventionGenetics, part of Exact Sciences
Classification: Uncertain significance for CREBBP-related condition. Last evaluated: 2024-03-15. Review status: no assertion criteria provided. Collection method: clinical testing. Allele origin: germline. Not counted in ClinVar's aggregate classification.
Comment: The CREBBP c.6547G>T variant is predicted to result in the amino acid substitution p.Ala2183Ser. To our knowledge, this variant has not been reported in the literature or in a large population database, indicating this variant is rare. At this time, the clinical significance of this variant is uncertain due to the absence of conclusive functional and genetic evidence.

NM_004380.3(CREBBP):c.6547G>T (p.Ala2183Ser)

Gene: CREBBP (CREB binding lysine acetyltransferase; minus strand). Cytogenetic location: 16p13.3.
Variant type: single nucleotide variant.
Coding change: c.6547G>T on transcript NM_004380.3 (MANE Select); coding-DNA position 6547, G replaced by T.
Protein change: p.Ala2183Ser; replaces alanine 2183 with serine.
Molecular consequence: missense variant.
Genome position (GRCh38, 1-based): chr16:3,728,500, C>A on the plus strand (G>T on the coding strand, the complement: CREBBP is on the minus strand). VCF-style: chr16-3728500-C-A. GRCh37 (hg19) VCF-style: chr16-3778501-C-A.
Other names: c.6433G>T, p.Ala2145Ser (NM_001079846.1); short protein forms A2145S, A2183S.
Identifiers: ClinVar variation 3356718 (VCV003356718.2).